The following is an entry in ClinVar:

ClinVar aggregate classification (germline): Uncertain significance (1 of 4 stars; one submission).

Allele frequency attached by ClinVar (database versions not stated): gnomAD exomes below 0.00001.
gnomAD v4.1: 3 of 1,603,502 alleles (0.00019%); highest among the groups gnomAD compares: Non-Finnish European, 0.00025%; no homozygotes.

Submission:

Labcorp Genetics (formerly Invitae), Labcorp
Classification: Uncertain significance. Last evaluated: 2025-06-04. Review status: criteria provided, single submitter. Criteria: Invitae Variant Classification Sherloc (09022015). Collection method: clinical testing. Allele origin: germline.
Comment: This sequence change falls in intron 10 of the VPS33A gene. It does not directly change the encoded amino acid sequence of the VPS33A protein. It affects a nucleotide within the consensus splice site. This variant is not present in population databases (gnomAD no frequency). This variant has not been reported in the literature in individuals affected with VPS33A-related conditions. ClinVar contains an entry for this variant (Variation ID: 2047475). Variants that disrupt the consensus splice site are a relatively common cause of aberrant splicing (PMID: 17576681, 9536098). Algorithms developed to predict the effect of sequence changes on RNA splicing suggest that this variant is not likely to affect RNA splicing. In summary, the available evidence is currently insufficient to determine the role of this variant in disease. Therefore, it has been classified as a Variant of Uncertain Significance.

Literature cited by the submitters: PubMed 17576681; PubMed 9536098.

NM_022916.6(VPS33A):c.1302+3G>A

Gene: VPS33A (VPS33A core subunit of CORVET and HOPS complexes; minus strand). Cytogenetic location: 12q24.31.
Variant type: single nucleotide variant.
Coding change: c.1302+3G>A on transcript NM_022916.6 (MANE Select); 3 bases into the intron after coding-DNA position 1302, G replaced by A.
Molecular consequence: intron variant.
Genome position (GRCh38, 1-based): chr12:122,238,584, C>T on the plus strand (G>A on the coding strand, the complement: VPS33A is on the minus strand). VCF-style: chr12-122238584-C-T. GRCh37 (hg19) VCF-style: chr12-122723131-C-T.
Other names: c.981+3G>A (NM_001351020.2); c.1269+3G>A (NM_001351018.2); c.1254+3G>A (NM_001351019.2).
Identifiers: ClinVar variation 2047475 (VCV002047475.4), dbSNP rs2547158740, ClinGen allele CA2580085924.